The following is an entry in ClinVar:

NM_000381.4(MID1):c.340G>T (p.Ala114Ser)

Gene: MID1 (midline 1; minus strand). Cytogenetic location: Xp22.2.
Variant type: single nucleotide variant.
Coding change: c.340G>T on transcript NM_000381.4 (MANE Select); coding-DNA position 340, G replaced by T.
Protein change: p.Ala114Ser; replaces alanine 114 with serine.
Molecular consequence: missense variant.
Genome position (GRCh38, 1-based): chrX:10,567,208, C>A on the plus strand (G>T on the coding strand, the complement: MID1 is on the minus strand). VCF-style: chrX-10567208-C-A. GRCh37 (hg19) VCF-style: chrX-10535248-C-A.
Other names: c.340G>T, p.Ala114Ser (NM_001098624.2, NM_001193277.1, NM_001193278.1 and 5 more transcripts); short protein forms A114S.
Identifiers: ClinVar variation 4748945 (VCV004748945.1).

ClinVar aggregate classification (germline): Uncertain significance (1 of 4 stars; one submission).

gnomAD v4.1: 29 of 1,211,399 alleles (0.0024%); highest among the groups gnomAD compares: Non-Finnish European, 0.0032%; no homozygotes.

Submission:

Labcorp Genetics (formerly Invitae), Labcorp
Classification: Uncertain significance. Last evaluated: 2025-08-29. Review status: criteria provided, single submitter. Criteria: Invitae Variant Classification Sherloc (09022015). Collection method: clinical testing. Allele origin: germline.
Comment: This sequence change replaces alanine, which is neutral and non-polar, with serine, which is neutral and polar, at codon 114 of the MID1 protein (p.Ala114Ser). This variant is present in population databases (no rsID available, gnomAD 0.001%), including at least one homozygous and/or hemizygous individual. This variant has not been reported in the literature in individuals affected with MID1-related conditions. Invitae Evidence Modeling of protein sequence and biophysical properties (such as structural, functional, and spatial information, amino acid conservation, physicochemical variation, residue mobility, and thermodynamic stability) indicates that this missense variant is not expected to disrupt MID1 protein function with a negative predictive value of 80%. In summary, the available evidence is currently insufficient to determine the role of this variant in disease. Therefore, it has been classified as a Variant of Uncertain Significance.